The following is an entry in ClinVar:

NM_001267550.2(TTN):c.102772C>A (p.Pro34258Thr)

Genes: TTN (titin; minus strand), TTN-AS1 (TTN antisense RNA 1; plus strand). Cytogenetic location: 2q31.2.
Variant type: single nucleotide variant.
Coding change: c.102772C>A on transcript NM_001267550.2 (MANE Select); coding-DNA position 102772, C replaced by A.
Protein change: p.Pro34258Thr; replaces proline 34258 with threonine.
Molecular consequence: missense variant.
Genome position (GRCh38, 1-based): chr2:178,533,843, G>T on the plus strand (C>A on the coding strand, the complement: TTN is on the minus strand). VCF-style: chr2-178533843-G-T. GRCh37 (hg19) VCF-style: chr2-179398570-G-T.
Other names: c.97849C>A, p.Pro32617Thr (NM_001256850.1); c.75577C>A, p.Pro25193Thr (NM_003319.4); c.95068C>A, p.Pro31690Thr (NM_133378.4); c.75952C>A, p.Pro25318Thr (NM_133432.3); c.76153C>A, p.Pro25385Thr (NM_133437.4); short protein forms P25193T, P25318T, P25385T, P31690T, P32617T, P34258T.
Identifiers: ClinVar variation 2442888 (VCV002442888.6), dbSNP rs752360286, ClinGen allele CA1985709.

ClinVar aggregate classification (germline): Uncertain significance. Review status: criteria provided, multiple submitters, no conflicts (2 of 4 stars). 2 submissions from 2 submitters: Uncertain significance (2). Last evaluated 2026-03-01.

Conditions:
Cardiomyopathy (CMYO). Also called: Cardiomyopathies. Identifiers: Orphanet 167848, MedGen C0878544, MONDO:0004994, HP:0001638. Inheritance: Various modes of inheritance.

Allele frequency attached by ClinVar (database versions not stated): gnomAD 0.00005; TOPMed 0.00008.
gnomAD v4.1: 63 of 1,613,836 alleles (0.0039%); highest among the groups gnomAD compares: Middle Eastern, 0.016%; no homozygotes.

Submissions (2):

CeGaT Center for Human Genetics Tuebingen
Classification: Uncertain significance. Last evaluated: 2026-03-01. Review status: criteria provided, single submitter. Criteria: CeGaT Center For Human Genetics Tuebingen Variant Classification Criteria Version 2. Collection method: clinical testing. Allele origin: germline. Affected: yes. Observed: 1 variant allele.
Comment: TTN: PM2

CHEO Genetics Diagnostic Laboratory, Children's Hospital of Eastern Ontario
Classification: Uncertain significance for Cardiomyopathy. Last evaluated: 2021-07-22. Review status: criteria provided, single submitter. Criteria: ACMG Guidelines, 2015. Collection method: clinical testing. Allele origin: germline.